The following is an entry in ClinVar:

ClinVar aggregate classification (germline): Uncertain significance (1 of 4 stars; one submission).

Conditions:
Inborn genetic diseases. Identifiers: MedGen C0950123, MeSH D030342.

Submission:

Ambry Genetics
Classification: Uncertain significance for Inborn genetic diseases. Last evaluated: 2025-04-06. Review status: criteria provided, single submitter. Criteria: Ambry Variant Classification Scheme 2023. Collection method: clinical testing. Allele origin: germline.
Comment: The p.Q1015K variant (also known as c.3043C>A), located in coding exon 30 of the RTEL1 gene, results from a C to A substitution at nucleotide position 3043. The glutamine at codon 1015 is replaced by lysine, an amino acid with similar properties. This amino acid position is conserved. In addition, the in silico prediction for this alteration is inconclusive. Based on the available evidence, the clinical significance of this variant remains unclear.

NM_001283009.2(RTEL1):c.3043C>A (p.Gln1015Lys)

Genes: RTEL1 (regulator of telomere elongation helicase 1; plus strand), RTEL1-TNFRSF6B (RTEL1-TNFRSF6B readthrough (NMD candidate); plus strand). Cytogenetic location: 20q13.33.
Variant type: single nucleotide variant.
Coding change: c.3043C>A on transcript NM_001283009.2 (MANE Select); coding-DNA position 3043, C replaced by A.
Protein change: p.Gln1015Lys; replaces glutamine 1015 with lysine.
Molecular consequence: missense variant. On other transcripts: non-coding transcript variant (1).
Genome position (GRCh38, 1-based): chr20:63,694,422, C>A. VCF-style: chr20-63694422-C-A. GRCh37 (hg19) VCF-style: chr20-62325775-C-A.
Other names: c.2374C>A, p.Gln792Lys (NM_001283010.1); c.3043C>A, p.Gln1015Lys (NM_016434.4); c.3115C>A, p.Gln1039Lys (NM_032957.5); short protein forms Q1015K, Q1039K, Q792K.
Identifiers: ClinVar variation 3948304 (VCV003948304.1).
Genomic context (GRCh38, chr20:63,694,422, plus strand): 5'-TCTTCATCAGGAAGAACGGCGCCGGATCCCAAGCTGACCGTGTCCACGGCTGCAGCCCAG[C>A]AGCTGGACCCCCAAGAGCACCTGAACCAGGGCAGGCCCCACCTGTCGCCCAGGCCACCCC-3'
Protein context (NP_001269938.1, residues 1005-1025): KLTVSTAAAQ[Gln1015Lys]LDPQEHLNQG